The following is an entry in ClinVar:

ClinVar aggregate classification (germline): Conflicting classifications of pathogenicity. Review status: criteria provided, conflicting classifications (1 of 4 stars). 2 submissions from 2 submitters: Likely pathogenic (1); Uncertain significance (1). Last evaluated 2025-11-17.

Conditions:
Neuronal ceroid lipofuscinosis 1 (CLN1). Also called: CEROID LIPOFUSCINOSIS, NEURONAL, 1, VARIABLE AGE AT ONSET; PPT1-Related Neuronal Ceroid-Lipofuscinosis. Identifiers: Orphanet 228329, MedGen C1850451, MONDO:0009744, OMIM 256730.

Submissions (2):

Myriad Genetics, Inc.
Classification: Uncertain significance for Neuronal ceroid lipofuscinosis 1. Last evaluated: 2025-11-17. Review status: criteria provided, single submitter. Criteria: Myriad Autosomal Dominant, Autosomal Recessive and X-Linked Classification Criteria (2023). Collection method: clinical testing. Allele origin: unknown.
Comment: NM_000310.3(PPT1):c.885delA(E295Dfs*49) is a frameshift variant that results in protein elongation classified as a variant of uncertain significance in the context of neuronal ceroid lipofuscinosis, PPT1-related. E295Dfs*49 has not been observed in cases with relevant disease. Relevant functional assessments of this variant are not available in the literature. E295Dfs*49 has not been observed in referenced population frequency databases. In summary, there is insufficient evidence to classify NM_000310.3(PPT1):c.885delA(E295Dfs*49) as pathogenic or benign. Please note: this variant was assessed in the context of healthy population screening.

Baylor Genetics
Classification: Likely pathogenic for Neuronal ceroid lipofuscinosis 1. Last evaluated: 2023-02-04. Review status: criteria provided, single submitter. Criteria: ACMG Guidelines, 2015. Collection method: clinical testing. Allele origin: unknown.

NM_000310.4(PPT1):c.885del (p.Glu295fs)

Gene: PPT1 (palmitoyl-protein thioesterase 1; minus strand). Cytogenetic location: 1p34.2.
Variant type: Deletion.
Coding change: c.885del on transcript NM_000310.4 (MANE Select); coding-DNA position 885, one base deleted (A; older notation c.885delA).
Protein change: p.Glu295fs; shifts the reading frame from glutamic acid 295.
Molecular consequence: frameshift variant.
Genome position (GRCh38, 1-based): chr1:40,074,097, T deleted on the plus strand (A on the coding strand, the reverse complement: PPT1 is on the minus strand); the first of 2 consecutive T bases (chr1:40,074,097-40,074,098); deleting either gives the same sequence. VCF-style (leftmost placement, unchanged base first): chr1-40074096-AT-A. GRCh37 (hg19) VCF-style: chr1-40539768-AT-A.
Other names: c.576del, p.Glu192fs (NM_001142604.2); c.813del, p.Glu271fs (NM_001363695.2); short protein forms E192fs, E271fs, E295fs.
Identifiers: ClinVar variation 2678043 (VCV002678043.2), dbSNP rs2523620344, ClinGen allele CA2695198002.